The following is an entry in ClinVar:

NM_000293.3(PHKB):c.727A>C (p.Lys243Gln)

Gene: PHKB (phosphorylase kinase regulatory subunit beta; plus strand). Cytogenetic location: 16q12.1.
Variant type: single nucleotide variant.
Coding change: c.727A>C on transcript NM_000293.3 (MANE Select); coding-DNA position 727, A replaced by C.
Protein change: p.Lys243Gln; replaces lysine 243 with glutamine.
Molecular consequence: missense variant.
Genome position (GRCh38, 1-based): chr16:47,580,311, A>C. VCF-style: chr16-47580311-A-C. GRCh37 (hg19) VCF-style: chr16-47614222-A-C.
Other names: c.706A>C, p.Lys236Gln (NM_001031835.3); c.727A>C, p.Lys243Gln (NM_001363837.1); short protein forms K236Q, K243Q.
Identifiers: ClinVar variation 1367772 (VCV001367772.7), dbSNP rs190737988, ClinGen allele CA8040597.
Genomic context (GRCh38, chr16:47,580,311, plus strand): 5'-GCCACATACATTAGAGTAATAAAGCATTTCCTTTTCTCTTTTAGCTCGGTTGGTTTAGCA[A>C]AAGCAGCTCTAGAAGCAATTAATGGATTCAACCTTTTTGGCAACCAGGTAAAAAATAAGA-3'
Protein context (NP_000284.1, residues 233-253): ELHSSSVGLA[Lys243Gln]AALEAINGFN

ClinVar aggregate classification (germline): Uncertain significance (1 of 4 stars; one submission).

Conditions:
Glycogen storage disease IXb (GSD9B). Also called: GLYCOGENOSIS OF LIVER AND MUSCLE, AUTOSOMAL RECESSIVE; GSD IXb; PHOSPHORYLASE KINASE DEFICIENCY OF LIVER AND MUSCLE, AUTOSOMAL RECESSIVE. Identifiers: Orphanet 79240, MedGen C0543514, MONDO:0009868, OMIM 261750.

Allele frequency attached by ClinVar (database versions not stated): gnomAD 0.00001; TOPMed 0.00002; 1000 Genomes Project 0.00020; 1000 Genomes Project 30x 0.00031.
gnomAD v4.1: 18 of 1,613,008 alleles (0.0011%); highest among the groups gnomAD compares: Admixed American, 0.03%; no homozygotes.

Submission:

Labcorp Genetics (formerly Invitae), Labcorp
Classification: Uncertain significance for Glycogen storage disease IXb. Last evaluated: 2025-01-06. Review status: criteria provided, single submitter. Criteria: Invitae Variant Classification Sherloc (09022015). Collection method: clinical testing. Allele origin: germline.
Comment: This sequence change replaces lysine, which is basic and polar, with glutamine, which is neutral and polar, at codon 243 of the PHKB protein (p.Lys243Gln). This variant is present in population databases (rs190737988, gnomAD 0.04%). This variant has not been reported in the literature in individuals affected with PHKB-related conditions. ClinVar contains an entry for this variant (Variation ID: 1367772). An algorithm developed to predict the effect of missense changes on protein structure and function (PolyPhen-2) suggests that this variant is likely to be disruptive. In summary, the available evidence is currently insufficient to determine the role of this variant in disease. Therefore, it has been classified as a Variant of Uncertain Significance.